The following is an entry in ClinVar:

ClinVar aggregate classification (germline): Pathogenic (1 of 4 stars; one submission).

Conditions:
Osteogenesis imperfecta type I (OI1). Also called: Osteogenesis imperfecta type 1; Classic Non-deforming Osteogenesis Imperfecta with Blue Sclerae; Lobstein disease; OI, TYPE I; OSTEOGENESIS IMPERFECTA TARDA; OSTEOGENESIS IMPERFECTA WITH BLUE SCLERAE. Identifiers: Orphanet 216796, Orphanet 666, MedGen C0023931, MONDO:0008146, OMIM 166200. Disease mechanism: loss of function.

Submission:

Labcorp Genetics (formerly Invitae), Labcorp
Classification: Pathogenic for Osteogenesis imperfecta type I. Last evaluated: 2022-07-03. Review status: criteria provided, single submitter. Criteria: Invitae Variant Classification Sherloc (09022015). Collection method: clinical testing. Allele origin: germline.
Comment: For these reasons, this variant has been classified as Pathogenic. This variant has not been reported in the literature in individuals affected with COL1A1-related conditions. This variant is not present in population databases (gnomAD no frequency). This sequence change creates a premature translational stop signal (p.Glu660*) in the COL1A1 gene. It is expected to result in an absent or disrupted protein product. Loss-of-function variants in COL1A1 are known to be pathogenic (PMID: 7942841, 9295084, 9443882).

Literature cited by the submitters: PubMed 7942841; PubMed 9295084; PubMed 9443882.

NM_000088.4(COL1A1):c.1978G>T (p.Glu660Ter)

Gene: COL1A1 (collagen type I alpha 1 chain; minus strand). Cytogenetic location: 17q21.33.
Variant type: single nucleotide variant.
Coding change: c.1978G>T on transcript NM_000088.4 (MANE Select); coding-DNA position 1978, G replaced by T.
Protein change: p.Glu660Ter; replaces glutamic acid 660 with a stop codon.
Molecular consequence: nonsense.
Genome position (GRCh38, 1-based): chr17:50,192,480, C>A on the plus strand (G>T on the coding strand, the complement: COL1A1 is on the minus strand). VCF-style: chr17-50192480-C-A. GRCh37 (hg19) VCF-style: chr17-48269841-C-A.
Other names: short protein forms E660*.
Identifiers: ClinVar variation 2013403 (VCV002013403.4), dbSNP rs2509205495, ClinGen allele CA400213077.